The following is an entry in ClinVar:

ClinVar aggregate classification (germline): Pathogenic (1 of 4 stars; one submission).

Conditions:
Vici syndrome (VICIS). Identifiers: Orphanet 1493, MedGen C1855772, MONDO:0009452, OMIM 242840.

Submission:

Labcorp Genetics (formerly Invitae), Labcorp
Classification: Pathogenic for Vici syndrome. Last evaluated: 2022-04-11. Review status: criteria provided, single submitter. Criteria: Invitae Variant Classification Sherloc (09022015). Collection method: clinical testing. Allele origin: germline.
Comment: For these reasons, this variant has been classified as Pathogenic. This variant has not been reported in the literature in individuals affected with EPG5-related conditions. This variant is not present in population databases (gnomAD no frequency). This sequence change creates a premature translational stop signal (p.Met2300Asnfs*25) in the EPG5 gene. It is expected to result in an absent or disrupted protein product. Loss-of-function variants in EPG5 are known to be pathogenic (PMID: 23222957, 23674064).

Literature cited by the submitters: PubMed 23222957; PubMed 23674064.

NM_020964.3(EPG5):c.6898dup (p.Met2300fs)

Gene: EPG5 (ectopic P-granules 5 autophagy tethering factor; minus strand). Cytogenetic location: 18q12.3.
Variant type: Duplication.
Coding change: c.6898dup on transcript NM_020964.3 (MANE Select); coding-DNA position 6898, one base duplicated (A; older notation c.6898dupA).
Protein change: p.Met2300fs; shifts the reading frame from methionine 2300.
Molecular consequence: frameshift variant.
Genome position (GRCh38, 1-based): chr18:45,860,215, T duplicated on the plus strand (A on the coding strand, the reverse complement: EPG5 is on the minus strand); the first of 6 consecutive T bases (chr18:45,860,215-45,860,220); duplicating any one gives the same sequence. VCF-style (leftmost placement, unchanged base first): chr18-45860214-A-AT. GRCh37 (hg19) VCF-style: chr18-43440179-A-AT.
Other names: c.6893dup, p.Met2300Asnfs (NM_001410858.1); c.6890dup, p.Met2299Asnfs (NM_001410859.1); short protein forms M2300fs.
Identifiers: ClinVar variation 2124929 (VCV002124929.4), dbSNP rs1161436837, ClinGen allele CA779739014.
Genomic context (GRCh38, chr18:45,860,214, plus strand): 5'-CGGACGGACGCCAGGCTCTGGCAGGCTGCTGTTAAAAGGGGCAGCACCACCAGCCCATGC[A>AT]TTTTTTGGCCAATCCAGGTCCGGATACTGCCCCGAAGGAACTCTGCTGTTGGAATAGTCG-3'